The following is an entry in ClinVar:

NM_031407.7(HUWE1):c.9958T>C (p.Ser3320Pro)

Gene: HUWE1 (HECT, UBA and WWE domain containing E3 ubiquitin protein ligase 1; minus strand). Cytogenetic location: Xp11.22.
Variant type: single nucleotide variant.
Coding change: c.9958T>C on transcript NM_031407.7 (MANE Select); coding-DNA position 9958, T replaced by C.
Protein change: p.Ser3320Pro; replaces serine 3320 with proline.
Molecular consequence: missense variant.
Genome position (GRCh38, 1-based): chrX:53,549,036, A>G on the plus strand (T>C on the coding strand, the complement: HUWE1 is on the minus strand). VCF-style: chrX-53549036-A-G. GRCh37 (hg19) VCF-style: chrX-53575997-A-G.
Other names: short protein forms S3320P.
Identifiers: ClinVar variation 1721923 (VCV001721923.5), dbSNP rs2523211612, ClinGen allele CA413137069.
Genomic context (GRCh38, chrX:53,549,036, plus strand): 5'-GTGTATCCAAAACGTGTCTGCAGACAACAGGAGCAGCTTGGGGATGGATGTGGACGGTGG[A>G]GCCACCGCTTGCATGCTTCTCGGTATGTTTACGCCCCCCTGAACGCTGGATCTGAAATAT-3'
Protein context (NP_113584.3, residues 3310-3330): KHTEKHASGG[Ser3320Pro]TVHIHPQAAP

ClinVar aggregate classification (germline): Uncertain significance (1 of 4 stars; one submission).

Submission:

Labcorp Genetics (formerly Invitae), Labcorp
Classification: Uncertain significance. Last evaluated: 2024-05-06. Review status: criteria provided, single submitter. Criteria: Invitae Variant Classification Sherloc (09022015). Collection method: clinical testing. Allele origin: germline.
Comment: This sequence change replaces serine, which is neutral and polar, with proline, which is neutral and non-polar, at codon 3320 of the HUWE1 protein (p.Ser3320Pro). This variant is not present in population databases (gnomAD no frequency). This variant has not been reported in the literature in individuals affected with HUWE1-related conditions. ClinVar contains an entry for this variant (Variation ID: 1721923). Advanced modeling of protein sequence and biophysical properties (such as structural, functional, and spatial information, amino acid conservation, physicochemical variation, residue mobility, and thermodynamic stability) has been performed at Invitae for this missense variant, however the output from this modeling did not meet the statistical confidence thresholds required to predict the impact of this variant on HUWE1 protein function. In summary, the available evidence is currently insufficient to determine the role of this variant in disease. Therefore, it has been classified as a Variant of Uncertain Significance.